The following is an entry in ClinVar:

NM_021930.6(RINT1):c.165T>A (p.Tyr55Ter)

Gene: RINT1 (RAD50 interactor 1; plus strand). Cytogenetic location: 7q22.3.
Variant type: single nucleotide variant.
Coding change: c.165T>A on transcript NM_021930.6 (MANE Select); coding-DNA position 165, T replaced by A.
Protein change: p.Tyr55Ter; replaces tyrosine 55 with a stop codon.
Molecular consequence: nonsense. On other transcripts: 5 prime UTR variant (3), non-coding transcript variant (1), intron variant (1).
Genome position (GRCh38, 1-based): chr7:105,536,641, T>A. VCF-style: chr7-105536641-T-A. GRCh37 (hg19) VCF-style: chr7-105177088-T-A.
Other names: c.-855T>A (NM_001346600.2); c.-758T>A (NM_001346601.2); c.-378T>A (NM_001346603.2); c.39+29T>A (NM_001346599.2); short protein forms Y55*.
Identifiers: ClinVar variation 1777461 (VCV001777461.3), dbSNP rs1350432366, ClinGen allele CA368800227.

ClinVar aggregate classification (germline): Uncertain significance (1 of 4 stars; one submission).

Allele frequency attached by ClinVar (database versions not stated): TOPMed 0.00001.
gnomAD v4.1: 3 of 1,612,694 alleles (0.00019%); highest among the groups gnomAD compares: Non-Finnish European, 0.00025%; no homozygotes.

Submission:

Ambry Genetics
Classification: Uncertain significance. Last evaluated: 2024-04-25. Review status: criteria provided, single submitter. Criteria: Ambry Variant Classification Scheme 2023. Collection method: clinical testing. Allele origin: germline.
Comment: The p.Y55* variant (also known as c.165T>A), located in coding exon 3 of the RINT1 gene, results from a T to A substitution at nucleotide position 165. This changes the amino acid from a tyrosine to a stop codon within coding exon 3. This alteration is expected to result in loss of function by premature protein truncation or nonsense-mediated mRNA decay. The evidence for this gene-disease relationship is limited; therefore, the clinical significance of this alteration is unclear.